The following is an entry in ClinVar:

NM_024027.5(COLEC11):c.643G>T (p.Val215Leu)

Gene: COLEC11 (collectin subfamily member 11; plus strand). Cytogenetic location: 2p25.3.
Variant type: single nucleotide variant.
Coding change: c.643G>T on transcript NM_024027.5 (MANE Select); coding-DNA position 643, G replaced by T.
Protein change: p.Val215Leu; replaces valine 215 with leucine.
Molecular consequence: missense variant. On other transcripts: non-coding transcript variant (1).
Genome position (GRCh38, 1-based): chr2:3,643,945, G>T. VCF-style: chr2-3643945-G-T. GRCh37 (hg19) VCF-style: chr2-3691535-G-T.
Other names: c.571G>T, p.Val191Leu (NM_001255982.2, NM_001255983.2); c.499G>T, p.Val167Leu (NM_001255984.2); c.685G>T, p.Val229Leu (NM_001255985.1); c.565G>T, p.Val189Leu (NM_001255986.1); c.493G>T, p.Val165Leu (NM_001255987.1, NM_001255988.1); c.421G>T, p.Val141Leu (NM_001255989.1); c.634G>T, p.Val212Leu (NM_199235.3); short protein forms V165L, V189L, V215L, V141L, V212L, V167L, V191L, V229L.
Identifiers: ClinVar variation 1392111 (VCV001392111.6), dbSNP rs760665726, ClinGen allele CA345749220.

ClinVar aggregate classification (germline): Uncertain significance (1 of 4 stars; one submission).

gnomAD v4.1: 11 of 1,614,052 alleles (0.00068%); highest among the groups gnomAD compares: Admixed American, 0.013%; no homozygotes.

Submission:

Labcorp Genetics (formerly Invitae), Labcorp
Classification: Uncertain significance. Last evaluated: 2021-07-11. Review status: criteria provided, single submitter. Criteria: Invitae Variant Classification Sherloc (09022015). Collection method: clinical testing. Allele origin: germline.
Comment: This sequence change replaces valine with leucine at codon 215 of the COLEC11 protein (p.Val215Leu). The valine residue is highly conserved and there is a small physicochemical difference between valine and leucine. This variant is not present in population databases (ExAC no frequency). This variant has not been reported in the literature in individuals affected with COLEC11-related conditions. Algorithms developed to predict the effect of missense changes on protein structure and function are either unavailable or do not agree on the potential impact of this missense change (SIFT: "Deleterious"; PolyPhen-2: "Benign"; Align-GVGD: "Class C0"). In summary, the available evidence is currently insufficient to determine the role of this variant in disease. Therefore, it has been classified as a Variant of Uncertain Significance.